The following is an entry in ClinVar:

ClinVar aggregate classification (germline): Uncertain significance. Review status: criteria provided, multiple submitters, no conflicts (2 of 4 stars). 2 submissions from 2 submitters: Uncertain significance (2). Last evaluated 2023-06-17.

Conditions:
Pancreatic adenocarcinoma. Identifiers: MedGen C0281361, MONDO:0006047, HP:0006725.

Allele frequency attached by ClinVar (database versions not stated): TOPMed 0.00001; gnomAD exomes 0.00002 and 0.00004; gnomAD 0.00003; ExAC 0.00004.
gnomAD v4.1: 32 of 1,613,772 alleles (0.002%); highest among the groups gnomAD compares: African/African-American, 0.0013%; no homozygotes.

Submissions (2):

Ambry Genetics
Classification: Uncertain significance. Last evaluated: 2023-06-17. Review status: criteria provided, single submitter. Criteria: Ambry Variant Classification Scheme 2023. Collection method: clinical testing. Allele origin: germline.
Comment: The p.E759Q variant (also known as c.2275G>C), located in coding exon 12 of the PALLD gene, results from a G to C substitution at nucleotide position 2275. The glutamic acid at codon 759 is replaced by glutamine, an amino acid with highly similar properties. This amino acid position is conserved. In addition, the in silico prediction for this alteration is inconclusive. Since supporting evidence is limited at this time, the clinical significance of this alteration remains unclear.

Labcorp Genetics (formerly Invitae), Labcorp
Classification: Uncertain significance for Pancreatic adenocarcinoma. Last evaluated: 2021-03-24. Review status: criteria provided, single submitter. Criteria: Invitae Variant Classification Sherloc (09022015). Collection method: clinical testing. Allele origin: germline.
Comment: In summary, the available evidence is currently insufficient to determine the role of this variant in disease. Therefore, it has been classified as a Variant of Uncertain Significance. Experimental studies and prediction algorithms are not available or were not evaluated, and the functional significance of this variant is currently unknown. This variant has not been reported in the literature in individuals with PALLD-related conditions. ClinVar contains an entry for this variant (Variation ID: 136012). This variant is present in population databases (rs559000839, ExAC 0.06%). This sequence change replaces glutamic acid with glutamine at codon 272 of the PALLD protein (p.Glu272Gln). The glutamic acid residue is highly conserved and there is a small physicochemical difference between glutamic acid and glutamine.

NM_001166108.2(PALLD):c.2326G>C (p.Glu776Gln)

Genes: CBR4 (carbonyl reductase 4; minus strand), PALLD (palladin, cytoskeletal associated protein; plus strand). Cytogenetic location: 4q32.3.
Variant type: single nucleotide variant.
Coding change: c.2326G>C on transcript NM_001166108.2 (MANE Select); coding-DNA position 2326, G replaced by C.
Protein change: p.Glu776Gln; replaces glutamic acid 776 with glutamine.
Molecular consequence: missense variant.
Genome position (GRCh38, 1-based): chr4:168,898,568, G>C. VCF-style: chr4-168898568-G-C. GRCh37 (hg19) VCF-style: chr4-169819719-G-C.
Other names: c.1129G>C, p.Glu377Gln (NM_001166109.2); c.814G>C, p.Glu272Gln (NM_001166110.2); c.154G>C, p.Glu52Gln (NM_001367567.1, NM_001367569.1); c.205G>C, p.Glu69Gln (NM_001367568.1, NM_001367570.1); c.2275G>C, p.Glu759Gln (NM_016081.4); c.2275G>C (NM_016081.3); short protein forms E759Q, E272Q, E52Q, E776Q, E377Q, E69Q.
Identifiers: ClinVar variation 136012 (VCV000136012.8), dbSNP rs559000839, ClinGen allele CA332749.